The following is an entry in ClinVar:

NM_080424.4(SP110):c.23T>C (p.Met8Thr)

Genes: SP140 (SP140 nuclear body protein; plus strand), SP110 (SP110 nuclear body protein; minus strand). Cytogenetic location: 2q37.1.
Variant type: single nucleotide variant.
Coding change: c.23T>C on transcript NM_080424.4 (MANE Select); coding-DNA position 23, T replaced by C.
Protein change: p.Met8Thr; replaces methionine 8 with threonine.
Molecular consequence: missense variant.
Genome position (GRCh38, 1-based): chr2:230,216,905, A>G on the plus strand (T>C on the coding strand, the complement: SP110 is on the minus strand). VCF-style: chr2-230216905-A-G. GRCh37 (hg19) VCF-style: chr2-231081620-A-G.
Other names: c.41T>C, p.Met14Thr (NM_001185015.2, NM_001378442.1, NM_001378444.1 and 2 more transcripts); c.23T>C, p.Met8Thr (NM_001378443.1, NM_001378447.1, NM_004509.5 and 1 more transcripts); short protein forms M14T, M8T.
Identifiers: ClinVar variation 1011431 (VCV001011431.4), dbSNP rs200067258, ClinGen allele CA66763449.

ClinVar aggregate classification (germline): Uncertain significance (1 of 4 stars; one submission).

Conditions:
Hepatic veno-occlusive disease-immunodeficiency syndrome. Also called: Hepatic Veno-Occlusive Disease with Immunodeficiency. Identifiers: Orphanet 79124, MedGen C1856128, MONDO:0009338, OMIM 235550. Disease mechanism: loss of function.

Allele frequency attached by ClinVar (database versions not stated): gnomAD exomes 0.00001; gnomAD 0.00003 and 0.00004; TOPMed 0.00003.
gnomAD v4.1: 43 of 1,613,712 alleles (0.0027%); highest among the groups gnomAD compares: Non-Finnish European, 0.0034%; no homozygotes.

Submission:

Labcorp Genetics (formerly Invitae), Labcorp
Classification: Uncertain significance for Hepatic veno-occlusive disease-immunodeficiency syndrome. Last evaluated: 2022-10-17. Review status: criteria provided, single submitter. Criteria: Invitae Variant Classification Sherloc (09022015). Collection method: clinical testing. Allele origin: germline.
Comment: This sequence change replaces methionine, which is neutral and non-polar, with threonine, which is neutral and polar, at codon 8 of the SP110 protein (p.Met8Thr). This variant is present in population databases (rs200067258, gnomAD 0.004%). This variant has not been reported in the literature in individuals affected with SP110-related conditions. ClinVar contains an entry for this variant (Variation ID: 1011431). Algorithms developed to predict the effect of missense changes on protein structure and function are either unavailable or do not agree on the potential impact of this missense change (SIFT: "Deleterious"; PolyPhen-2: "Benign"; Align-GVGD: "Class C0"). In summary, the available evidence is currently insufficient to determine the role of this variant in disease. Therefore, it has been classified as a Variant of Uncertain Significance.